The following is an entry in ClinVar:

NC_000015.9:g.(?_91289802)_(91292950_?)del

Gene: BLM (BLM RecQ like helicase; plus strand). Cytogenetic location: 15q26.1.
Variant type: Deletion.
Identifiers: ClinVar variation 3243696 (VCV003243696.1).

ClinVar aggregate classification (germline): Pathogenic (1 of 4 stars; one submission).

Conditions:
Bloom syndrome (BLM). Also called: Bloom-Torre-Machacek syndrome. Identifiers: Orphanet 125, MedGen C0005859, MONDO:0008876, OMIM 210900.

Submission:

Labcorp Genetics (formerly Invitae), Labcorp
Classification: Pathogenic for Bloom syndrome. Last evaluated: 2023-05-09. Review status: criteria provided, single submitter. Criteria: Invitae Variant Classification Sherloc (09022015). Collection method: clinical testing. Allele origin: unknown.
Comment: For these reasons, this variant has been classified as Pathogenic. Experimental studies and prediction algorithms are not available or were not evaluated, and the functional significance of this variant is currently unknown. This variant has not been reported in the literature in individuals affected with BLM-related conditions. This variant results in the deletion of exons 2 and part of exon 3 (c.-4-817_452del) of the BLM gene. It is expected to result in an absent or disrupted protein product. Loss-of-function variants in BLM are known to be pathogenic (PMID: 17407155).

Literature cited by the submitters: PubMed 17407155.